The following is an entry in ClinVar:

NM_000426.4(LAMA2):c.4097G>T (p.Arg1366Leu)

Gene: LAMA2 (laminin subunit alpha 2; plus strand). Cytogenetic location: 6q22.33.
Variant type: single nucleotide variant.
Coding change: c.4097G>T on transcript NM_000426.4 (MANE Select); coding-DNA position 4097, G replaced by T.
Protein change: p.Arg1366Leu; replaces arginine 1366 with leucine.
Molecular consequence: missense variant.
Genome position (GRCh38, 1-based): chr6:129,320,576, G>T. VCF-style: chr6-129320576-G-T. GRCh37 (hg19) VCF-style: chr6-129641721-G-T.
Other names: c.4097G>T, p.Arg1366Leu (NM_001079823.2); short protein forms R1366L.
Identifiers: ClinVar variation 1946948 (VCV001946948.2), dbSNP rs573563174, ClinGen allele CA3993446.
Genomic context (GRCh38, chr6:129,320,576, plus strand): 5'-AGTACATTCTCGCTGTTTCTAGGATTTCTGAAATCTCAATGGAGGTAGCTGAACAAGGAC[G>T]TGGAACAACAATGACTCCTCCAGCTGACTTGATTGAAAAATGTGATTGTCCCCTGGGCTA-3'
Protein context (NP_000417.3, residues 1356-1376): EISMEVAEQG[Arg1366Leu]GTTMTPPADL

ClinVar aggregate classification (germline): Uncertain significance (1 of 4 stars; one submission).

Conditions:
LAMA2-related muscular dystrophy (LAMA2-RD). Also called: Laminin alpha 2-related dystrophy. Identifiers: MedGen C5679788, MONDO:0100228.

Allele frequency attached by ClinVar (database versions not stated): 1000 Genomes Project 30x 0.00016; 1000 Genomes Project 0.00020.
gnomAD v4.1: 13 of 1,613,110 alleles (0.00081%); highest among the groups gnomAD compares: East Asian, 0.0022%; no homozygotes.

Submission:

Labcorp Genetics (formerly Invitae), Labcorp
Classification: Uncertain significance for LAMA2-related muscular dystrophy. Last evaluated: 2021-08-31. Review status: criteria provided, single submitter. Criteria: Invitae Variant Classification Sherloc (09022015). Collection method: clinical testing. Allele origin: germline.
Comment: This sequence change replaces arginine with leucine at codon 1366 of the LAMA2 protein (p.Arg1366Leu). The arginine residue is weakly conserved and there is a moderate physicochemical difference between arginine and leucine. This variant is present in population databases (rs573563174, ExAC 0.01%). This variant has not been reported in the literature in individuals affected with LAMA2-related conditions. Advanced modeling of protein sequence and biophysical properties (such as structural, functional, and spatial information, amino acid conservation, physicochemical variation, residue mobility, and thermodynamic stability) performed at Invitae indicates that this missense variant is not expected to disrupt LAMA2 protein function. In summary, the available evidence is currently insufficient to determine the role of this variant in disease. Therefore, it has been classified as a Variant of Uncertain Significance.